The following is an entry in ClinVar:

ClinVar aggregate classification (germline): Pathogenic/Likely pathogenic. Review status: criteria provided, multiple submitters, no conflicts (2 of 4 stars). 7 submissions from 7 submitters: Pathogenic (4); Likely pathogenic (2). 1 of the submissions does not count toward it. Last evaluated 2025-10-18.

Conditions:
Cerebral arteriopathy with subcortical infarcts and leukoencephalopathy. Also called: Cerebral autosomal dominant arteriopathy with subcortical infarcts and leukoencephalopathy. Identifiers: MedGen C0751587, MONDO:0007432.
Lateral meningocele syndrome (LMNS). Also called: NOTCH3-Related Lateral Meningocele Syndrome. Identifiers: Orphanet 2789, MedGen C1851710, MONDO:0007537, OMIM 130720.
Myofibromatosis, infantile, 2. Identifiers: Orphanet 2591, MedGen C3809084, MONDO:0014122, OMIM 615293.
Cerebral arteriopathy, autosomal dominant, with subcortical infarcts and leukoencephalopathy, type 1 (CADASIL1). Also called: CADASIL 1; CASIL; Cerebral arteriopathy with subcortical infarcts and leukoencephalopathy 1; DEMENTIA, HEREDITARY MULTIINFARCT TYPE. Identifiers: Orphanet 136, MedGen C4551768, MONDO:0000914, OMIM 125310.

Allele frequency attached by ClinVar (database versions not stated): gnomAD exomes below 0.00001.
gnomAD v4.1: 1 of 1,580,352 alleles (0.000063%); highest among the groups gnomAD compares: Non-Finnish European, 0.000086%; no homozygotes.

Submissions (7):

Mayo Clinic Laboratories, Mayo Clinic
Classification: Pathogenic. Last evaluated: 2025-10-18. Review status: criteria provided, single submitter. Criteria: ACMG Guidelines, 2015. Collection method: clinical testing. Allele origin: germline. Observed: 1 variant allele.
Comment: PP1, PP2, PP3, PP4, PM1, PM2_supporting, PS4

Athena Diagnostics
Classification: Pathogenic. Last evaluated: 2025-08-19. Review status: criteria provided, single submitter. Criteria: Athena Diagnostics Criteria. Collection method: clinical testing. Allele origin: unknown.
Comment: This variant alters a critical location within the protein, and is expected to severely affect function and cause disease. This variant has not been reported in large, multi-ethnic general populations. This variant has been identified in at least one individual with clinical features of CADASIL. This variant appears to segregate with disease in at least one family, however, the available information does not rule out segregation due to chance. Greater than 90% of NOTCH3 pathogenic variants associated with CADASIL involve the gain or loss of a cysteine residue within the epidermal growth factor (EGF)-like repeat domain (PMID: 32457593, 20301673).

Labcorp Genetics (formerly Invitae), Labcorp
Classification: Pathogenic. Last evaluated: 2025-04-10. Review status: criteria provided, single submitter. Criteria: Invitae Variant Classification Sherloc (09022015). Collection method: clinical testing. Allele origin: germline.
Comment: This sequence change replaces arginine, which is basic and polar, with cysteine, which is neutral and slightly polar, at codon 54 of the NOTCH3 protein (p.Arg54Cys). This variant is not present in population databases (gnomAD no frequency). This missense change has been observed in individuals with cerebral autosomal dominant arteriopathy with subcortical infarcts and leukoencephalopathy (PMID: 19006080, 19242647, 26270344, 32277177). ClinVar contains an entry for this variant (Variation ID: 447791). Invitae Evidence Modeling of protein sequence and biophysical properties (such as structural, functional, and spatial information, amino acid conservation, physicochemical variation, residue mobility, and thermodynamic stability) indicates that this missense variant is expected to disrupt NOTCH3 protein function with a positive predictive value of 95%. For these reasons, this variant has been classified as Pathogenic.

3billion
Classification: Pathogenic for Cerebral arteriopathy, autosomal dominant, with subcortical infarcts and leukoencephalopathy, type 1. Last evaluated: 2022-03-22. Review status: criteria provided, single submitter. Criteria: ACMG Guidelines, 2015. Collection method: clinical testing. Allele origin: germline. Affected: yes. Observed: 1 heterozygote.
Comment: Same or different nucleotide change resulting in same amino acid change has been previously reported as pathogenic/likely pathogenic with strong evidence (ClinVar ID: VCV000447791, PMID:11102981). The variant has been observed in multiple (>3) similarly affected unrelated individuals (PMID: 26270344, 24139282, 32277177, 26002683, 11102981). In silico tool predictions suggest damaging effect of the variant on gene or gene product (REVEL: 0.803>=0.6). A missense variant is a common mechanism . It is not observed in the gnomAD v2.1.1 dataset. Therefore, this variant is classified as pathogenic according to the recommendation of ACMG/AMP guideline.

Institute of Human Genetics, University of Leipzig Medical Center
Classification: Likely pathogenic for Cerebral arteriopathy, autosomal dominant, with subcortical infarcts and leukoencephalopathy, type 1. Last evaluated: 2017-12-27. Review status: criteria provided, single submitter. Criteria: ACMG Guidelines, 2015. Collection method: clinical testing. Allele origin: germline. Affected: yes. Observed: 1 variant allele.

Juno Genomics, Hangzhou Juno Genomics, Inc
Classification: Likely pathogenic for Myofibromatosis, infantile, 2; Cerebral arteriopathy, autosomal dominant, with subcortical infarcts and leukoencephalopathy, type 1; Lateral meningocele syndrome. Review status: criteria provided, single submitter. Criteria: ACMG Guidelines, 2015. Collection method: clinical testing. Allele origin: germline. Affected: yes.
Comment: The prevalence of the variant in affected individuals is significantly increased compared to the prevalence in controls.;Absent from controls (or at extremely low frequency if recessive) in Genome Aggregation Database, Exome Sequencing Project, 1000 Genomes Project, or Exome Aggregation Consortium.;Missense variant in a gene that has a low rate of benign missense variation and where missense variants are a common mechanism of disease.;Multiple lines of computational evidence support a deleterious effect on the gene or gene product (conservation, evolutionary, splicing impact, etc).;Patient's phenotype or family history is highly specific for a disease with a single genetic etiology.

Genomics England Pilot Project, Genomics England
Classification: Likely pathogenic for Cerebral arteriopathy, autosomal dominant, with subcortical infarcts and leukoencephalopathy, type 1. Review status: no assertion criteria provided. Criteria: ACGS Guidelines, 2016. Collection method: clinical testing. Allele origin: germline. Affected: yes. Not counted in ClinVar's aggregate classification.

Literature cited by the submitters: PubMed 11102981 (cited by 3 submitters); PubMed 21616505 (cited by Mayo Clinic Laboratories, Mayo Clinic); PubMed 22664156 (cited by Mayo Clinic Laboratories, Mayo Clinic); PubMed 26002683 (cited by 3 submitters); PubMed 26270344 (cited by 4 submitters); PubMed 32102741 (cited by Mayo Clinic Laboratories, Mayo Clinic); PubMed 32277177 (cited by 4 submitters); PubMed 32555735 (cited by Mayo Clinic Laboratories, Mayo Clinic); PubMed 34758253 (cited by Mayo Clinic Laboratories, Mayo Clinic); PubMed 36047879 (cited by Mayo Clinic Laboratories, Mayo Clinic); PubMed 36380532 (cited by Mayo Clinic Laboratories, Mayo Clinic); PubMed 19242647 (cited by Athena Diagnostics and Labcorp Genetics (formerly Invitae), Labcorp); PubMed 19006080 (cited by Athena Diagnostics and Labcorp Genetics (formerly Invitae), Labcorp); PubMed 38713890 (cited by Athena Diagnostics); PubMed 37458844 (cited by Athena Diagnostics); PubMed 38520151 (cited by Athena Diagnostics); PubMed 26368811 (cited by Athena Diagnostics); PubMed 24139282 (cited by Athena Diagnostics and 3billion).

NM_000435.3(NOTCH3):c.160C>T (p.Arg54Cys)

Gene: NOTCH3 (notch receptor 3; minus strand). Cytogenetic location: 19p13.12.
Variant type: single nucleotide variant.
Coding change: c.160C>T on transcript NM_000435.3 (MANE Select); coding-DNA position 160, C replaced by T.
Protein change: p.Arg54Cys; replaces arginine 54 with cysteine.
Molecular consequence: missense variant.
Genome position (GRCh38, 1-based): chr19:15,197,537, G>A on the plus strand (C>T on the coding strand, the complement: NOTCH3 is on the minus strand). VCF-style: chr19-15197537-G-A. GRCh37 (hg19) VCF-style: chr19-15308348-G-A.
Other names: short protein forms R54C.
Identifiers: ClinVar variation 447791 (VCV000447791.14), dbSNP rs1555730189, ClinGen allele CA404483379.
Genomic context (GRCh38, chr19:15,197,537, plus strand): 5'-GTGGCTCTGAGCCAGGCACTCACAGGCAGGCAGCCTCCCGGGAGGGCAGCTGGGTGCAAC[G>A]ACCTCCATTTGCACACGGGCTTCCGTCCAGGCAAGGGGGGGCTGTGTGGGGGTGAAGGAA-3'
Protein context (NP_000426.2, residues 44-64): LDGSPCANGG[Arg54Cys]CTQLPSREAA